The following is an entry in ClinVar:

NM_001089.3(ABCA3):c.2081G>T (p.Gly694Val)

Gene: ABCA3 (ATP binding cassette subfamily A member 3; minus strand). Cytogenetic location: 16p13.3.
Variant type: single nucleotide variant.
Coding change: c.2081G>T on transcript NM_001089.3 (MANE Select); coding-DNA position 2081, G replaced by T.
Protein change: p.Gly694Val; replaces glycine 694 with valine.
Molecular consequence: missense variant.
Genome position (GRCh38, 1-based): chr16:2,297,511, C>A on the plus strand (G>T on the coding strand, the complement: ABCA3 is on the minus strand). VCF-style: chr16-2297511-C-A. GRCh37 (hg19) VCF-style: chr16-2347512-C-A.
Other names: short protein forms G694V.
Identifiers: ClinVar variation 3384192 (VCV003384192.3).
Genomic context (GRCh38, chr16:2,297,511, plus strand): 5'-CGGTCACTTTTCTGCCGCTGAAGAAGATCCCAGATGGCCCTCCTGGAGATGGCGTCCATG[C>A]CCGAGGTGGGCTCGTCCAGTATCAGCACCTGGAGGGAGAGACACAGTCTCGCGACGCTGG-3'
Protein context (NP_001080.2, residues 684-704): KVLILDEPTS[Gly694Val]MDAISRRAIW

ClinVar aggregate classification (germline): Conflicting classifications of pathogenicity. Review status: criteria provided, conflicting classifications (1 of 4 stars). 2 submissions from 2 submitters: Likely pathogenic (1); Uncertain significance (1). Last evaluated 2025-06-17.

Conditions:
Hereditary pulmonary alveolar proteinosis. Also called: Pulmonary surfactant metabolism dysfunction. Identifiers: Orphanet 264675, MedGen C3711368, MONDO:0012580.
Interstitial lung disease due to ABCA3 deficiency. Also called: PULMONARY ALVEOLAR PROTEINOSIS, CONGENITAL, 3. Identifiers: Orphanet 440402, MedGen C1970456, MONDO:0012582, OMIM 610921.

Submissions (2):

Ambry Genetics
Classification: Uncertain significance for Hereditary pulmonary alveolar proteinosis. Last evaluated: 2025-06-17. Review status: criteria provided, single submitter. Criteria: Ambry Variant Classification Scheme 2023. Collection method: clinical testing. Allele origin: germline.

Excellence Center for Genomics and Precision Medicine, King Chulalongkorn Memorial Hospital
Classification: Likely pathogenic for Interstitial lung disease due to ABCA3 deficiency. Last evaluated: 2024-10-01. Review status: criteria provided, single submitter. Criteria: ACMG Guidelines, 2015. Collection method: clinical testing. Allele origin: germline. Inheritance: Autosomal recessive inheritance. Affected: yes. Observed: 1 compound heterozygote.
Comment: PM3: For recessive disorders, detected in trans with a pathogenic variant NC_000016.10:g.2299658_2302066del in ABCA3 in this patient PM2_Supporting: Present at extremely low frequency in gnomAD population databases PP3_Moderate: For a missense variant, computational prediction tools support a deleterious effect on the gene. REVEL score: Deleterious (Moderate) (0.92) PP4: Patient's phenotype or family history is highly specific for a disease with a single genetic etiology